The following is an entry in ClinVar:

ClinVar aggregate classification (germline): Uncertain significance (1 of 4 stars; one submission).

Conditions:
MELAS syndrome (MELAS). Also called: Juvenile myopathy, encephalopathy, lactic acidosis, stroke. Identifiers: Orphanet 550, MedGen C0162671, MONDO:0010789, OMIM 540000.

Submission:

Wong Mito Lab, Molecular and Human Genetics, Baylor College of Medicine
Classification: Uncertain significance for MELAS syndrome. Last evaluated: 2019-07-12. Review status: criteria provided, single submitter. Criteria: Modified ACMG Guidelines (Unpublished). Collection method: clinical testing. Allele origin: germline.
Comment: The NC_012920.1:m.5575T>C variant in MT-TW gene is interpreted to be a Unknown Significance variant based on the modified ACMG guidelines (unpublished). This variant meets the following evidence codes reported in the guidelines: PP3

Literature cited by the submitters: PubMed 31965079 (cited by Wong Mito Lab, Molecular and Human Genetics, Baylor College of Medicine).

NC_012920.1(MT-TW):m.5575T>C

Gene: MT-TW (mitochondrially encoded tRNA tryptophan; plus strand).
Variant type: single nucleotide variant.
Genome position: chrM-5575-T-C.
Identifiers: ClinVar variation 689948 (VCV000689948.3), dbSNP rs1603220034, ClinGen allele CA913179910.